The following is an entry in ClinVar:

NM_006939.4(SOS2):c.969+20T>G

Gene: SOS2 (SOS Ras/Rho guanine nucleotide exchange factor 2; minus strand). Cytogenetic location: 14q21.3.
Variant type: single nucleotide variant.
Coding change: c.969+20T>G on transcript NM_006939.4 (MANE Select); 20 bases into the intron after coding-DNA position 969, T replaced by G.
Molecular consequence: intron variant.
Genome position (GRCh38, 1-based): chr14:50,180,552, A>C on the plus strand (T>G on the coding strand, the complement: SOS2 is on the minus strand). VCF-style: chr14-50180552-A-C. GRCh37 (hg19) VCF-style: chr14-50647270-A-C.
Identifiers: ClinVar variation 507171 (VCV000507171.11), dbSNP rs559272877, ClinGen allele CA7177407.

ClinVar aggregate classification (germline): Likely benign. Review status: criteria provided, multiple submitters, no conflicts (2 of 4 stars). 4 submissions from 4 submitters: Likely benign (4). Last evaluated 2026-02-03.

Conditions:
Noonan syndrome 9 (NS9). Identifiers: Orphanet 648, MedGen C4225282, MONDO:0014691, OMIM 616559.

Allele frequency attached by ClinVar (database versions not stated): ExAC 0.00006; gnomAD exomes 0.00007; 1000 Genomes Project 30x 0.00016; 1000 Genomes Project 0.00020; gnomAD 0.00035 and 0.00041.
gnomAD v4.1: 72 of 1,085,164 alleles (0.0066%); highest among the groups gnomAD compares: African/African-American, 0.11%; no homozygotes.

Submissions (4):

Labcorp Genetics (formerly Invitae), Labcorp
Classification: Likely benign for Noonan syndrome 9. Last evaluated: 2026-02-03. Review status: criteria provided, single submitter. Criteria: Invitae Variant Classification Sherloc (09022015). Collection method: clinical testing. Allele origin: germline.

Blueprint Genetics
Classification: Likely benign. Last evaluated: 2022-07-05. Review status: criteria provided, single submitter. Criteria: ACMG Guidelines, 2015. Collection method: clinical testing. Allele origin: germline.

GeneDx
Classification: Likely benign. Last evaluated: 2017-02-02. Review status: criteria provided, single submitter. Criteria: GeneDx Variant Classification (06012015). Collection method: clinical testing. Allele origin: germline. Affected: yes.
Comment: This variant is considered likely benign or benign based on one or more of the following criteria: it is a conservative change, it occurs at a poorly conserved position in the protein, it is predicted to be benign by multiple in silico algorithms, and/or has population frequency not consistent with disease.

Genome-Nilou Lab
Classification: Likely benign for Noonan syndrome 9. Review status: criteria provided, single submitter. Criteria: ACMG Guidelines, 2015. Collection method: clinical testing. Allele origin: germline.